The following is an entry in ClinVar:

ClinVar aggregate classification (germline): Uncertain significance. Review status: criteria provided, multiple submitters, no conflicts (2 of 4 stars). 2 submissions from 2 submitters: Uncertain significance (2). Last evaluated 2026-09-02.

Conditions:
Renal cell carcinoma. Identifiers: Orphanet 217071, MedGen C0007134, MeSH D002292, MONDO:0005086, HP:0005584.
Hereditary cancer-predisposing syndrome. Also called: Hereditary Cancer Syndrome; Tumor predisposition; Neoplastic Syndromes, Hereditary; Hereditary neoplastic syndrome. Identifiers: Orphanet 140162, MedGen C0027672, MeSH D009386, MONDO:0015356.

gnomAD v4.1: 1 of 1,614,106 alleles (0.000062%); highest among the groups gnomAD compares: Non-Finnish European, 0.000085%; no homozygotes.

Submissions (2):

Ambry Genetics
Classification: Uncertain significance for Hereditary cancer-predisposing syndrome. Last evaluated: 2026-09-02. Review status: criteria provided, single submitter. Criteria: Ambry Variant Classification Scheme 2023. Collection method: clinical testing. Allele origin: germline.
Comment: The p.N1257K variant (also known as c.3771C>A), located in coding exon 18 of the MET gene, results from a C to A substitution at nucleotide position 3771. The asparagine at codon 1257 is replaced by lysine, an amino acid with similar properties. This amino acid position is well conserved in available vertebrate species. In addition, the in silico prediction for this alteration is inconclusive. Based on the available evidence, the clinical significance of this variant remains unclear.

Labcorp Genetics (formerly Invitae), Labcorp
Classification: Uncertain significance for Renal cell carcinoma. Last evaluated: 2021-01-22. Review status: criteria provided, single submitter. Criteria: Invitae Variant Classification Sherloc (09022015). Collection method: clinical testing. Allele origin: germline.
Comment: In summary, the available evidence is currently insufficient to determine the role of this variant in disease. Therefore, it has been classified as a Variant of Uncertain Significance. Advanced modeling of protein sequence and biophysical properties (such as structural, functional, and spatial information, amino acid conservation, physicochemical variation, residue mobility, and thermodynamic stability) performed at Invitae indicates that this missense variant is expected to disrupt MET protein function. This variant has not been reported in the literature in individuals with MET-related conditions. This variant is not present in population databases (ExAC no frequency). This sequence change replaces asparagine with lysine at codon 1257 of the MET protein (p.Asn1257Lys). The asparagine residue is highly conserved and there is a moderate physicochemical difference between asparagine and lysine.

NM_000245.4(MET):c.3717C>A (p.Asn1239Lys)

Gene: MET (MET proto-oncogene, receptor tyrosine kinase; plus strand). Cytogenetic location: 7q31.2.
Variant type: single nucleotide variant.
Coding change: c.3717C>A on transcript NM_000245.4 (MANE Select); coding-DNA position 3717, C replaced by A.
Protein change: p.Asn1239Lys; replaces asparagine 1239 with lysine.
Molecular consequence: missense variant.
Genome position (GRCh38, 1-based): chr7:116,783,388, C>A. VCF-style: chr7-116783388-C-A. GRCh37 (hg19) VCF-style: chr7-116423442-C-A.
Other names: c.3771C>A, p.Asn1257Lys (NM_001127500.3); c.2427C>A, p.Asn809Lys (NM_001324402.2); c.3771C>A (NM_001127500.1); short protein forms N1239K, N1257K, N809K.
Identifiers: ClinVar variation 1518771 (VCV001518771.9), dbSNP rs2117066535, ClinGen allele CA368991724.
Genomic context (GRCh38, chr7:116,783,388, plus strand): 5'-GGTTGCTGATTTTGGTCTTGCCAGAGACATGTATGATAAAGAATACTATAGTGTACACAA[C>A]AAAACAGGTGCAAAGCTGCCAGTGAAGTGGATGGCTTTGGAAAGTCTGCAAACTCAAAAG-3'
Protein context (NP_000236.2, residues 1229-1249): MYDKEYYSVH[Asn1239Lys]KTGAKLPVKW